The following is an entry in ClinVar:

NM_004304.5(ALK):c.692C>G (p.Thr231Arg)

Gene: ALK (ALK receptor tyrosine kinase; minus strand). Cytogenetic location: 2p23.2.
Variant type: single nucleotide variant.
Coding change: c.692C>G on transcript NM_004304.5 (MANE Select); coding-DNA position 692, C replaced by G.
Protein change: p.Thr231Arg; replaces threonine 231 with arginine.
Molecular consequence: missense variant.
Genome position (GRCh38, 1-based): chr2:29,717,673, G>C on the plus strand (C>G on the coding strand, the complement: ALK is on the minus strand). VCF-style: chr2-29717673-G-C. GRCh37 (hg19) VCF-style: chr2-29940539-G-C.
Other names: short protein forms T231R.
Identifiers: ClinVar variation 538218 (VCV000538218.17), dbSNP rs142120301, ClinGen allele CA1594898.

ClinVar aggregate classification (germline): Conflicting classifications of pathogenicity. Review status: criteria provided, conflicting classifications (1 of 4 stars). 5 submissions from 5 submitters: Uncertain significance (3); Likely benign (2). Last evaluated 2026-04-16.

Conditions:
Hereditary cancer-predisposing syndrome. Also called: Hereditary Cancer Syndrome; Neoplastic Syndromes, Hereditary; Tumor predisposition; Hereditary neoplastic syndrome. Identifiers: Orphanet 140162, MedGen C0027672, MeSH D009386, MONDO:0015356.
Neuroblastoma, susceptibility to, 3. Also called: ALK-Related Neuroblastic Tumor Susceptibility. Identifiers: Orphanet 635, MedGen C2751681, MONDO:0013083, OMIM 613014.

Allele frequency attached by ClinVar (database versions not stated): ExAC 0.00002; gnomAD exomes 0.00002; gnomAD 0.00012 and 0.00013; TOPMed 0.00017; ESP Exome Variant Server 0.00031.
gnomAD v4.1: 34 of 1,614,124 alleles (0.0021%); highest among the groups gnomAD compares: African/African-American, 0.036%; no homozygotes.

Submissions (5):

Ambry Genetics
Classification: Likely benign for Hereditary cancer-predisposing syndrome. Last evaluated: 2026-04-16. Review status: criteria provided, single submitter. Criteria: Ambry Variant Classification Scheme 2023. Collection method: clinical testing. Allele origin: germline.

Labcorp Genetics (formerly Invitae), Labcorp
Classification: Uncertain significance for Neuroblastoma, susceptibility to, 3. Last evaluated: 2025-11-27. Review status: criteria provided, single submitter. Criteria: Invitae Variant Classification Sherloc (09022015). Collection method: clinical testing. Allele origin: germline.
Comment: This sequence change replaces threonine, which is neutral and polar, with arginine, which is basic and polar, at codon 231 of the ALK protein (p.Thr231Arg). This variant is present in population databases (rs142120301, gnomAD 0.03%). This variant has not been reported in the literature in individuals affected with ALK-related conditions. ClinVar contains an entry for this variant (Variation ID: 538218). An algorithm developed to predict the effect of missense changes on protein structure and function outputs the following: PolyPhen-2: "Benign". The arginine amino acid residue is found in multiple mammalian species, which suggests that this missense change does not adversely affect protein function. In summary, the available evidence is currently insufficient to determine the role of this variant in disease. Therefore, it has been classified as a Variant of Uncertain Significance.

GeneDx
Classification: Uncertain significance. Last evaluated: 2023-12-13. Review status: criteria provided, single submitter. Criteria: GeneDx Variant Classification Process June 2021. Collection method: clinical testing. Allele origin: germline.
Comment: In silico analysis supports that this missense variant does not alter protein structure/function; Has not been previously published as pathogenic or benign to our knowledge; This variant is associated with the following publications: (PMID: 25054154)

Baylor Genetics
Classification: Uncertain significance for Neuroblastoma, susceptibility to, 3. Last evaluated: 2023-11-21. Review status: criteria provided, single submitter. Criteria: ACMG Guidelines, 2015. Collection method: clinical testing. Allele origin: unknown.

Sema4
Classification: Likely benign for Hereditary cancer-predisposing syndrome. Last evaluated: 2021-10-19. Review status: criteria provided, single submitter. Criteria: Sema4 Curation Guidelines. Collection method: curation. Allele origin: germline.